The following is an entry in ClinVar:

ClinVar aggregate classification (germline): Uncertain significance (1 of 4 stars; one submission).

Allele frequency attached by ClinVar (database versions not stated): gnomAD exomes below 0.00001; TOPMed 0.00001.

Submission:

Labcorp Genetics (formerly Invitae), Labcorp
Classification: Uncertain significance. Last evaluated: 2022-09-01. Review status: criteria provided, single submitter. Criteria: Invitae Variant Classification Sherloc (09022015). Collection method: clinical testing. Allele origin: germline.
Comment: This sequence change replaces methionine, which is neutral and non-polar, with lysine, which is basic and polar, at codon 2224 of the SPTBN2 protein (p.Met2224Lys). This variant is not present in population databases (gnomAD no frequency). This variant has not been reported in the literature in individuals affected with SPTBN2-related conditions. Advanced modeling of protein sequence and biophysical properties (such as structural, functional, and spatial information, amino acid conservation, physicochemical variation, residue mobility, and thermodynamic stability) performed at Invitae indicates that this missense variant is not expected to disrupt SPTBN2 protein function. In summary, the available evidence is currently insufficient to determine the role of this variant in disease. Therefore, it has been classified as a Variant of Uncertain Significance.

NM_006946.4(SPTBN2):c.6671T>A (p.Met2224Lys)

Gene: SPTBN2 (spectrin beta, non-erythrocytic 2; minus strand). Cytogenetic location: 11q13.2.
Variant type: single nucleotide variant.
Coding change: c.6671T>A on transcript NM_006946.4 (MANE Select); coding-DNA position 6671, T replaced by A.
Protein change: p.Met2224Lys; replaces methionine 2224 with lysine.
Molecular consequence: missense variant.
Genome position (GRCh38, 1-based): chr11:66,687,478, A>T on the plus strand (T>A on the coding strand, the complement: SPTBN2 is on the minus strand). VCF-style: chr11-66687478-A-T. GRCh37 (hg19) VCF-style: chr11-66454949-A-T.
Other names: c.6692T>A, p.Met2231Lys (NM_001411025.1); short protein forms M2224K, M2231K.
Identifiers: ClinVar variation 2055853 (VCV002055853.4), dbSNP rs1940198051, ClinGen allele CA381456101.